The following is an entry in ClinVar:

ClinVar aggregate classification (germline): Pathogenic (1 of 4 stars; one submission).

Conditions:
Telangiectasia, hereditary hemorrhagic, type 2 (HHT2). Also called: Telangiectasia, hereditary hemorrhagic, type II; ACVRL1-Related Hereditary Hemorrhagic Telangiectasia. Identifiers: Orphanet 774, MedGen C1838163, MONDO:0010880, OMIM 600376. Disease mechanism: loss of function.

Submission:

Labcorp Genetics (formerly Invitae), Labcorp
Classification: Pathogenic for Hereditary hemorrhagic telangiectasia type 2. Last evaluated: 2019-01-29. Review status: criteria provided, single submitter. Criteria: Invitae Variant Classification Sherloc (09022015). Collection method: clinical testing. Allele origin: germline.
Comment: This sequence change results in a premature translational stop signal in the ACVRL1 gene (p.Asp445Glyfs*9). While this is not anticipated to result in nonsense mediated decay, it is expected to disrupt the last 59 amino acids of the ACVRL1 protein. This variant is not present in population databases (ExAC no frequency). This variant disrupts the C-terminus of the ACVRL1 protein. Other variant(s) that disrupt this region (p.Arg479*, p.Ser477Leufs*25, p.Cys471*, p.Gln446*) have been determined to be pathogenic (PMID: 15024723, 15065824, 15517393, 15712271, 16429404, 16540754, 16752392, 22991266, 26401274, 21158752, Invitae). This suggests that variants that disrupt this region of the protein are likely to be causative of disease. For these reasons, this variant has been classified as Pathogenic.

Literature cited by the submitters: PubMed 15065824; PubMed 15712271; PubMed 16540754; PubMed 16752392; PubMed 22991266; PubMed 21158752; PubMed 15024723; PubMed 26401274; PubMed 15517393; PubMed 16429404.

NM_000020.3(ACVRL1):c.1331dup (p.Asp445fs)

Gene: ACVRL1 (activin A receptor like type 1; plus strand). Cytogenetic location: 12q13.13.
Variant type: Duplication.
Coding change: c.1331dup on transcript NM_000020.3 (MANE Select); coding-DNA position 1331, one base duplicated (T; older notation c.1331dupT).
Protein change: p.Asp445fs; shifts the reading frame from aspartic acid 445.
Molecular consequence: frameshift variant.
Genome position (GRCh38, 1-based): chr12:51,919,069, T duplicated. VCF-style (leftmost placement, unchanged base first): chr12-51919068-G-GT. GRCh37 (hg19) VCF-style: chr12-52312852-G-GT.
Other names: c.1331dup, p.Asp445fs (NM_001077401.2); short protein forms D445fs.
Identifiers: ClinVar variation 836330 (VCV000836330.1), dbSNP rs1940908116, ClinGen allele CA916081675.
Genomic context (GRCh38, chr12:51,919,068, plus strand): 5'-CCCTTCTATGATGTGGTGCCCAATGACCCCAGCTTTGAGGACATGAAGAAGGTGGTGTGT[G>GT]TGGATCAGCAGACCCCCACCATCCCTAACCGGCTGGCTGCAGACCCGGTGAGGCCTCTGC-3'